The following is an entry in ClinVar:

NM_001379081.2(FREM1):c.2301C>G (p.Asn767Lys)

Gene: FREM1 (FRAS1 related extracellular matrix 1; minus strand). Cytogenetic location: 9p22.3.
Variant type: single nucleotide variant.
Coding change: c.2301C>G on transcript NM_001379081.2 (MANE Select); coding-DNA position 2301, C replaced by G.
Protein change: p.Asn767Lys; replaces asparagine 767 with lysine.
Molecular consequence: missense variant. On other transcripts: non-coding transcript variant (2).
Genome position (GRCh38, 1-based): chr9:14,823,196, G>C on the plus strand (C>G on the coding strand, the complement: FREM1 is on the minus strand). VCF-style: chr9-14823196-G-C. GRCh37 (hg19) VCF-style: chr9-14823194-G-C.
Other names: c.2301C>G, p.Asn767Lys (NM_144966.7); short protein forms N767K.
Identifiers: ClinVar variation 2631937 (VCV002631937.1), dbSNP rs1213376520, ClinGen allele CA372955875.
Genomic context (GRCh38, chr9:14,823,196, plus strand): 5'-CTCTATATAGAACATTGTACATACCTCAGGAACTTGATTGTCCACTGGGAGGATTGTAAT[G>C]TTAAAGCAGATCCCATGCAAAGTACCGCCATGTTGGTTACTGACAGAAAATGTGAACTGG-3'
Protein context (NP_001366010.1, residues 757-777): HGGTLHGICF[Asn767Lys]ITILPVDNQV

ClinVar aggregate classification (germline): Uncertain significance (1 of 4 stars; one submission).

Conditions:
FREM1-related disorder. Also called: FREM1-related condition; FREM1-Related Disorders.

gnomAD v4.1: 5 of 1,613,832 alleles (0.00031%); highest among the groups gnomAD compares: African/African-American, 0.0013%; no homozygotes.

Submission:

PreventionGenetics, part of Exact Sciences
Classification: Uncertain significance for FREM1-related condition. Last evaluated: 2022-12-19. Review status: criteria provided, single submitter. Criteria: ACMG Guidelines, 2015. Collection method: clinical testing. Allele origin: germline.
Comment: The FREM1 c.2301C>G variant is predicted to result in the amino acid substitution p.Asn767Lys. To our knowledge, this variant has not been reported in the literature. This variant is reported in 0.00089% of alleles in individuals of European (Non-Finnish) descent in gnomAD. At this time, the clinical significance of this variant is uncertain due to the absence of conclusive functional and genetic evidence.